The following is an entry in ClinVar:

ClinVar aggregate classification (germline): Pathogenic/Likely pathogenic. Review status: criteria provided, multiple submitters, no conflicts (2 of 4 stars). 3 submissions from 3 submitters: Pathogenic (1); Likely pathogenic (2). Last evaluated 2024-03-19.

Conditions:
Lung cancer. Also called: Lung cancer, somatic; Malignant tumor of lung. Identifiers: MedGen C0242379, MONDO:0008903, OMIM 211980.
Premature ovarian failure 11 (POF11). Identifiers: MedGen C4310783, MONDO:0014843, OMIM 616946.
DE SANCTIS-CACCHIONE SYNDROME. Identifiers: MedGen C0265201, MONDO:0010217, OMIM 278800.
Cerebrooculofacioskeletal syndrome 1 (COFS1). Also called: Cerebro-oculo-facio-skeletal syndrome 1. Identifiers: MedGen C0220722, MONDO:0008955, OMIM 214150.
Cockayne syndrome type 2 (CSB). Also called: COCKAYNE SYNDROME B; Cockayne Syndrome, Type II. Identifiers: Orphanet 191, Orphanet 90322, MedGen C0751038, MONDO:0019570, OMIM 133540.
UV-sensitive syndrome 1 (UVSS1). Identifiers: Orphanet 178338, MedGen C3551173, MONDO:0010909, OMIM 600630.
Age related macular degeneration 5. Identifiers: MedGen C3151063, MONDO:0013409, OMIM 613761.

Submissions (3):

Fulgent Genetics
Classification: Likely pathogenic for Cockayne syndrome type 2; Lung cancer; Cerebrooculofacioskeletal syndrome 1; DE SANCTIS-CACCHIONE SYNDROME; UV-sensitive syndrome 1; Age related macular degeneration 5; Premature ovarian failure 11. Last evaluated: 2024-03-19. Review status: criteria provided, single submitter. Criteria: ACMG Guidelines, 2015. Collection method: clinical testing. Allele origin: germline.

Labcorp Genetics (formerly Invitae), Labcorp
Classification: Pathogenic. Last evaluated: 2022-05-30. Review status: criteria provided, single submitter. Criteria: Invitae Variant Classification Sherloc (09022015). Collection method: clinical testing. Allele origin: germline.
Comment: This sequence change creates a premature translational stop signal (p.Cys573Glnfs*4) in the ERCC6 gene. It is expected to result in an absent or disrupted protein product. Loss-of-function variants in ERCC6 are known to be pathogenic (PMID: 18628313, 29572252). This variant is present in population databases (rs766629930, gnomAD 0.0009%). This variant has not been reported in the literature in individuals affected with ERCC6-related conditions. Algorithms developed to predict the effect of sequence changes on RNA splicing suggest that this variant may disrupt the consensus splice site. For these reasons, this variant has been classified as Pathogenic.

Juno Genomics, Hangzhou Juno Genomics, Inc
Classification: Likely pathogenic for UV-sensitive syndrome 1; DE SANCTIS-CACCHIONE SYNDROME; Lung cancer; Age related macular degeneration 5; Cerebrooculofacioskeletal syndrome 1; Cockayne syndrome type 2; Premature ovarian failure 11. Review status: criteria provided, single submitter. Criteria: ACMG Guidelines, 2015. Collection method: clinical testing. Allele origin: germline.
Comment: Absent from controls (or at extremely low frequency if recessive) in Genome Aggregation Database.;Null variant in a gene where loss of function (LOF) is a known mechanism of disease.

Literature cited by the submitters: PubMed 18628313 (cited by Labcorp Genetics (formerly Invitae), Labcorp); PubMed 29572252 (cited by Labcorp Genetics (formerly Invitae), Labcorp).

NM_000124.4(ERCC6):c.1717_1720del (p.Cys573fs)

Gene: ERCC6 (ERCC excision repair 6, chromatin remodeling factor; minus strand). Cytogenetic location: 10q11.23.
Variant type: Microsatellite.
Coding change: c.1717_1720del on transcript NM_000124.4 (MANE Select); coding-DNA positions 1717 to 1720, 4 bases deleted (TGTC; older notation c.1717_1720delTGTC).
Protein change: p.Cys573fs; shifts the reading frame from cysteine 573.
Molecular consequence: frameshift variant.
Genome position (GRCh38, 1-based): chr10:49,493,218-49,493,221, GACA deleted on the plus strand (TGTC on the coding strand, the reverse complement: ERCC6 is on the minus strand); deleting any 4 consecutive bases within chr10:49,493,218-49,493,225 gives the same sequence; the c. name uses the placement nearest the transcript's 3' end. VCF-style (leftmost placement, unchanged base first): chr10-49493217-GGACA-G. GRCh37 (hg19) VCF-style: chr10-50701263-GGACA-G.
Other names: c.1717_1720del, p.Cys573fs (NM_001346440.2); short protein forms C573fs.
Identifiers: ClinVar variation 2000913 (VCV002000913.7), dbSNP rs766629930, ClinGen allele CA5495883.